The following is an entry in ClinVar:

NM_001142966.3(GREB1L):c.4030C>A (p.Leu1344Ile)

Gene: GREB1L (GREB1 like retinoic acid receptor coactivator; plus strand). Cytogenetic location: 18q11.2.
Variant type: single nucleotide variant.
Coding change: c.4030C>A on transcript NM_001142966.3 (MANE Select); coding-DNA position 4030, C replaced by A.
Protein change: p.Leu1344Ile; replaces leucine 1344 with isoleucine.
Molecular consequence: missense variant.
Genome position (GRCh38, 1-based): chr18:21,500,600, C>A. VCF-style: chr18-21500600-C-A. GRCh37 (hg19) VCF-style: chr18-19080561-C-A.
Other names: c.4030C>A (NM_001142966.1); c.4159C>A, p.Leu1387Ile (NM_001410867.1); c.3703C>A, p.Leu1235Ile (NM_001410868.1); short protein forms L1235I, L1344I, L1387I.
Identifiers: ClinVar variation 2867166 (VCV002867166.3), dbSNP rs750830542, ClinGen allele CA8906629.

ClinVar aggregate classification (germline): Uncertain significance. Review status: criteria provided, multiple submitters, no conflicts (2 of 4 stars). 2 submissions from 2 submitters: Uncertain significance (2). Last evaluated 2024-12-20.

Conditions:
GREB1L-related disorder. Also called: GREB1L-related condition.

Allele frequency attached by ClinVar (database versions not stated): TOPMed 0.00004; ExAC 0.00005; gnomAD 0.00007; gnomAD exomes 0.00011.
gnomAD v4.1: 156 of 1,551,232 alleles (0.01%); highest among the groups gnomAD compares: Non-Finnish European, 0.013%; no homozygotes.

Submissions (2):

PreventionGenetics, part of Exact Sciences
Classification: Uncertain significance for GREB1L-related condition. Last evaluated: 2024-12-20. Review status: criteria provided, single submitter. Criteria: ACMG Guidelines, 2015. Collection method: clinical testing. Allele origin: germline.
Comment: The GREB1L c.4030C>A variant is predicted to result in the amino acid substitution p.Leu1344Ile. To our knowledge, this variant has not been reported in the literature. This variant is reported in 0.0092% of alleles in individuals of European (Non-Finnish) descent in gnomAD. At this time, the clinical significance of this variant is uncertain due to the absence of conclusive functional and genetic evidence.

Labcorp Genetics (formerly Invitae), Labcorp
Classification: Uncertain significance. Last evaluated: 2023-05-04. Review status: criteria provided, single submitter. Criteria: Invitae Variant Classification Sherloc (09022015). Collection method: clinical testing. Allele origin: germline.
Comment: An algorithm developed to predict the effect of missense changes on protein structure and function (PolyPhen-2) suggests that this variant is likely to be disruptive. This sequence change replaces leucine, which is neutral and non-polar, with isoleucine, which is neutral and non-polar, at codon 1344 of the GREB1L protein (p.Leu1344Ile). This variant is present in population databases (rs750830542, gnomAD 0.01%). This variant has not been reported in the literature in individuals affected with GREB1L-related conditions. In summary, the available evidence is currently insufficient to determine the role of this variant in disease. Therefore, it has been classified as a Variant of Uncertain Significance.